The following is an entry in ClinVar:

NM_002860.4(ALDH18A1):c.1411G>T (p.Val471Phe)

Gene: ALDH18A1 (aldehyde dehydrogenase 18 family member A1; minus strand). Cytogenetic location: 10q24.1.
Variant type: single nucleotide variant.
Coding change: c.1411G>T on transcript NM_002860.4 (MANE Select); coding-DNA position 1411, G replaced by T.
Protein change: p.Val471Phe; replaces valine 471 with phenylalanine.
Molecular consequence: missense variant.
Genome position (GRCh38, 1-based): chr10:95,621,087, C>A on the plus strand (G>T on the coding strand, the complement: ALDH18A1 is on the minus strand). VCF-style: chr10-95621087-C-A. GRCh37 (hg19) VCF-style: chr10-97380844-C-A.
Other names: c.1405G>T, p.Val469Phe (NM_001017423.2, NM_001323415.2); c.1078G>T, p.Val360Phe (NM_001323412.2, NM_001323416.2); c.1411G>T, p.Val471Phe (NM_001323413.2, NM_001323414.2); c.1306G>T, p.Val436Phe (NM_001323417.2); c.1072G>T, p.Val358Phe (NM_001323418.2); c.775G>T, p.Val259Phe (NM_001323419.2); short protein forms V358F, V360F, V436F, V471F, V469F, V259F.
Identifiers: ClinVar variation 1507345 (VCV001507345.8), dbSNP rs778369085, ClinGen allele CA377701338.

ClinVar aggregate classification (germline): Uncertain significance (1 of 4 stars; one submission).

Conditions:
Cutis laxa, autosomal dominant 3 (ADCL3). Identifiers: Orphanet 90348, MedGen C4225268, MONDO:0014706, OMIM 616603.
Autosomal dominant spastic paraplegia type 9. Identifiers: MedGen C1832669, MONDO:0015091.
de Barsy syndrome. Also called: Cutis laxa-corneal clouding-oligophrenia syndrome. Identifiers: Orphanet 2962, MedGen C0268354, MONDO:0017569.

Submission:

Labcorp Genetics (formerly Invitae), Labcorp
Classification: Uncertain significance for Autosomal dominant spastic paraplegia type 9; de Barsy syndrome; Cutis laxa, autosomal dominant 3. Last evaluated: 2022-06-27. Review status: criteria provided, single submitter. Criteria: Invitae Variant Classification Sherloc (09022015). Collection method: clinical testing. Allele origin: germline.
Comment: Algorithms developed to predict the effect of missense changes on protein structure and function are either unavailable or do not agree on the potential impact of this missense change (SIFT: "Deleterious"; PolyPhen-2: "Probably Damaging"; Align-GVGD: "Class C0"). This sequence change replaces valine, which is neutral and non-polar, with phenylalanine, which is neutral and non-polar, at codon 471 of the ALDH18A1 protein (p.Val471Phe). This variant is not present in population databases (gnomAD no frequency). This variant has not been reported in the literature in individuals affected with ALDH18A1-related conditions. In summary, the available evidence is currently insufficient to determine the role of this variant in disease. Therefore, it has been classified as a Variant of Uncertain Significance.